The following is an entry in ClinVar:

NM_001018115.3(FANCD2):c.3203T>C (p.Ile1068Thr)

Genes: FANCD2 (FA complementation group D2; plus strand), FANCD2OS (FANCD2 opposite strand; minus strand). Cytogenetic location: 3p25.3.
Variant type: single nucleotide variant.
Coding change: c.3203T>C on transcript NM_001018115.3 (MANE Select); coding-DNA position 3203, T replaced by C.
Protein change: p.Ile1068Thr; replaces isoleucine 1068 with threonine.
Molecular consequence: missense variant. On other transcripts: 3 prime UTR variant (1).
Genome position (GRCh38, 1-based): chr3:10,081,443, T>C. VCF-style: chr3-10081443-T-C. GRCh37 (hg19) VCF-style: chr3-10123127-T-C.
Other names: c.*132A>G (NM_173472.2); c.3203T>C, p.Ile1068Thr (NM_001319984.2, NM_001374254.1, NM_033084.6); c.3092T>C, p.Ile1031Thr (NM_001374253.1); short protein forms I1031T, I1068T.
Identifiers: ClinVar variation 1327068 (VCV001327068.3), dbSNP rs2125060186, ClinGen allele CA351748969.

ClinVar aggregate classification (germline): Uncertain significance. Review status: criteria provided, multiple submitters, no conflicts (2 of 4 stars). 2 submissions from 2 submitters: Uncertain significance (2). Last evaluated 2025-11-20.

Conditions:
Inborn genetic diseases. Identifiers: MedGen C0950123, MeSH D030342.
Fanconi anemia complementation group D2. Also called: FANCD2-Related Fanconi Anemia; FANCONI PANCYTOPENIA, TYPE 4; FANCONI ANEMIA, COMPLEMENTATION GROUP D. Identifiers: Orphanet 84, MedGen C3160738, MONDO:0009214, OMIM 227646.

Submissions (2):

Ambry Genetics
Classification: Uncertain significance for Inborn genetic diseases. Last evaluated: 2025-11-20. Review status: criteria provided, single submitter. Criteria: Ambry Variant Classification Scheme 2023. Collection method: clinical testing. Allele origin: germline.

Baylor Genetics
Classification: Uncertain significance for Fanconi anemia complementation group D2. Last evaluated: 2021-07-24. Review status: criteria provided, single submitter. Criteria: ACMG Guidelines, 2015. Collection method: clinical testing. Allele origin: unknown. Affected: yes. Study: CSER-TexasKidsCanSeq.
Comment: This variant was determined to be of uncertain significance according to ACMG Guidelines, 2015 [PMID:25741868].